The following is an entry in ClinVar:

NM_002693.3(POLG):c.377G>A (p.Arg126His)

Genes: POLG (DNA polymerase gamma, catalytic subunit; minus strand), POLGARF (POLG alternative reading frame; minus strand). Cytogenetic location: 15q26.1.
Variant type: single nucleotide variant.
Coding change: c.377G>A on transcript NM_002693.3 (MANE Select); coding-DNA position 377, G replaced by A.
Protein change: p.Arg126His; replaces arginine 126 with histidine.
Molecular consequence: missense variant.
Genome position (GRCh38, 1-based): chr15:89,333,378, C>T on the plus strand (G>A on the coding strand, the complement: POLG is on the minus strand). VCF-style: chr15-89333378-C-T. GRCh37 (hg19) VCF-style: chr15-89876609-C-T.
Other names: p.Arg126His; c.377G>A, p.Arg126His (NM_001126131.2); short protein forms R126H.
Identifiers: ClinVar variation 589825 (VCV000589825.7), dbSNP rs866985804, ClinGen allele CA393772179.

ClinVar aggregate classification (germline): Uncertain significance. Review status: criteria provided, multiple submitters, no conflicts (2 of 4 stars). 3 submissions from 3 submitters: Uncertain significance (3). Last evaluated 2026-01-28.

Conditions:
Inborn genetic diseases. Identifiers: MedGen C0950123, MeSH D030342.
Progressive sclerosing poliodystrophy (MTDPS4A). Also called: Mitochondrial DNA depletion syndrome 4A (Alpers type); Mitochondrial DNA Depletion Syndrome 4A; Alpers Syndrome; ALPERS DIFFUSE DEGENERATION OF CEREBRAL GRAY MATTER WITH HEPATIC CIRRHOSIS; Alpers-Huttenlocher Syndrome; ALPERS PROGRESSIVE INFANTILE POLIODYSTROPHY. Identifiers: Orphanet 726, MedGen C0205710, MONDO:0008758, OMIM 203700.

Allele frequency attached by ClinVar (database versions not stated): gnomAD exomes below 0.00001; TOPMed below 0.00001.
gnomAD v4.1: 3 of 1,580,272 alleles (0.00019%); highest among the groups gnomAD compares: African/African-American, 0.0013%; no homozygotes.

Submissions (3):

Labcorp Genetics (formerly Invitae), Labcorp
Classification: Uncertain significance for Progressive sclerosing poliodystrophy. Last evaluated: 2026-01-28. Review status: criteria provided, single submitter. Criteria: Invitae Variant Classification Sherloc (09022015). Collection method: clinical testing. Allele origin: germline.
Comment: This sequence change replaces arginine, which is basic and polar, with histidine, which is basic and polar, at codon 126 of the POLG protein (p.Arg126His). This variant is not present in population databases (gnomAD no frequency). This variant has not been reported in the literature in individuals affected with POLG-related conditions. ClinVar contains an entry for this variant (Variation ID: 589825). Invitae Evidence Modeling of protein sequence and biophysical properties (such as structural, functional, and spatial information, amino acid conservation, physicochemical variation, residue mobility, and thermodynamic stability) has been performed for this missense variant. However, the output from this modeling did not meet the statistical confidence thresholds required to predict the impact of this variant on POLG protein function. In summary, the available evidence is currently insufficient to determine the role of this variant in disease. Therefore, it has been classified as a Variant of Uncertain Significance.

Mayo Clinic Laboratories, Mayo Clinic
Classification: Uncertain significance. Last evaluated: 2025-08-24. Review status: criteria provided, single submitter. Criteria: ACMG Guidelines, 2015. Collection method: clinical testing. Allele origin: germline. Observed: 1 variant allele.

Ambry Genetics
Classification: Uncertain significance for Inborn genetic diseases. Last evaluated: 2016-06-07. Review status: criteria provided, single submitter. Criteria: Ambry Variant Classification Scheme 2023. Collection method: clinical testing. Allele origin: germline.
Comment: The p.R126H variant (also known as c.377G>A), located in coding exon 1 of the POLG gene, results from a G to A substitution at nucleotide position 377. The arginine at codon 126 is replaced by histidine, an amino acid with highly similar properties. This variant was not reported in population based cohorts in the following databases: Database of Single Nucleotide Polymorphisms (dbSNP), NHLBI Exome Sequencing Project (ESP), and 1000 Genomes Project. In the ESP, this variant was not observed in 6406 samples (12812 alleles) with coverage at this position. This amino acid position is not well conserved in available vertebrate species. In addition, this alteration is predicted to be tolerated by in silico analysis. Since supporting evidence is limited at this time, the clinical significance of this variant remains unclear.